The following is an entry in ClinVar:

NM_000222.3(KIT):c.884C>G (p.Thr295Ser)

Gene: KIT (KIT proto-oncogene, receptor tyrosine kinase; plus strand). Cytogenetic location: 4q12.
Variant type: single nucleotide variant.
Coding change: c.884C>G on transcript NM_000222.3 (MANE Select); coding-DNA position 884, C replaced by G.
Protein change: p.Thr295Ser; replaces threonine 295 with serine.
Molecular consequence: missense variant.
Genome position (GRCh38, 1-based): chr4:54,703,851, C>G. VCF-style: chr4-54703851-C-G. GRCh37 (hg19) VCF-style: chr4-55570017-C-G.
Other names: c.884C>G, p.Thr295Ser (NM_001093772.2, NM_001385285.1, NM_001385286.1); c.887C>G, p.Thr296Ser (NM_001385284.1, NM_001385288.1, NM_001385290.1 and 1 more transcripts); short protein forms T295S, T296S.
Identifiers: ClinVar variation 3651747 (VCV003651747.2).

ClinVar aggregate classification (germline): Uncertain significance (1 of 4 stars; one submission).

Conditions:
Gastrointestinal stromal tumor. Also called: Gastrointestinal stromal tumor, somatic; Gastrointestinal stroma tumor. Identifiers: Orphanet 44890, MedGen C0238198, MeSH D046152, MONDO:0011719, OMIM 606764, HP:0100723.

Submission:

Labcorp Genetics (formerly Invitae), Labcorp
Classification: Uncertain significance for Gastrointestinal stromal tumor. Last evaluated: 2024-05-01. Review status: criteria provided, single submitter. Criteria: Invitae Variant Classification Sherloc (09022015). Collection method: clinical testing. Allele origin: germline.
Comment: This sequence change replaces threonine, which is neutral and polar, with serine, which is neutral and polar, at codon 295 of the KIT protein (p.Thr295Ser). This variant is not present in population databases (gnomAD no frequency). This variant has not been reported in the literature in individuals affected with KIT-related conditions. An algorithm developed to predict the effect of missense changes on protein structure and function (PolyPhen-2) suggests that this variant is likely to be tolerated. In summary, the available evidence is currently insufficient to determine the role of this variant in disease. Therefore, it has been classified as a Variant of Uncertain Significance.